The following is an entry in ClinVar:

ClinVar aggregate classification (germline): Uncertain significance. Review status: criteria provided, multiple submitters, no conflicts (2 of 4 stars). 2 submissions from 2 submitters: Uncertain significance (2). Last evaluated 2025-10-03.

Conditions:
Autosomal recessive severe congenital neutropenia due to CSF3R deficiency. Also called: Neutropenia, severe congenital, 7, autosomal recessive. Identifiers: Orphanet 420702, MedGen C4310764, MONDO:0014865, OMIM 617014.

Allele frequency attached by ClinVar (database versions not stated): gnomAD 0.00001; ExAC 0.00002; TOPMed 0.00001; gnomAD exomes 0.00002.
gnomAD v4.1: 29 of 1,613,848 alleles (0.0018%); highest among the groups gnomAD compares: East Asian, 0.0022%; no homozygotes.

Submissions (2):

Labcorp Genetics (formerly Invitae), Labcorp
Classification: Uncertain significance for Autosomal recessive severe congenital neutropenia due to CSF3R deficiency. Last evaluated: 2025-10-03. Review status: criteria provided, single submitter. Criteria: Invitae Variant Classification Sherloc (09022015). Collection method: clinical testing. Allele origin: germline.
Comment: This sequence change replaces arginine, which is basic and polar, with glutamine, which is neutral and polar, at codon 164 of the CSF3R protein (p.Arg164Gln). This variant is present in population databases (rs754336092, gnomAD 0.006%). This variant has not been reported in the literature in individuals affected with CSF3R-related conditions. ClinVar contains an entry for this variant (Variation ID: 1337000). Invitae Evidence Modeling of protein sequence and biophysical properties (such as structural, functional, and spatial information, amino acid conservation, physicochemical variation, residue mobility, and thermodynamic stability) indicates that this missense variant is not expected to disrupt CSF3R protein function with a negative predictive value of 80%. In summary, the available evidence is currently insufficient to determine the role of this variant in disease. Therefore, it has been classified as a Variant of Uncertain Significance.

Genetic Services Laboratory, University of Chicago
Classification: Uncertain significance. Last evaluated: 2019-01-29. Review status: criteria provided, single submitter. Criteria: ACMG Guidelines, 2015. Collection method: clinical testing. Allele origin: germline. Affected: no.

NM_000760.4(CSF3R):c.491G>A (p.Arg164Gln)

Gene: CSF3R (colony stimulating factor 3 receptor; minus strand). Cytogenetic location: 1p34.3.
Variant type: single nucleotide variant.
Coding change: c.491G>A on transcript NM_000760.4 (MANE Select); coding-DNA position 491, G replaced by A.
Protein change: p.Arg164Gln; replaces arginine 164 with glutamine.
Molecular consequence: missense variant.
Genome position (GRCh38, 1-based): chr1:36,473,617, C>T on the plus strand (G>A on the coding strand, the complement: CSF3R is on the minus strand). VCF-style: chr1-36473617-C-T. GRCh37 (hg19) VCF-style: chr1-36939218-C-T.
Other names: c.491G>A, p.Arg164Gln (NM_156039.3, NM_172313.3); short protein forms R164Q.
Identifiers: ClinVar variation 1337000 (VCV001337000.7), dbSNP rs754336092, ClinGen allele CA769449.